The following is an entry in ClinVar:

ClinVar aggregate classification (germline): Pathogenic (1 of 4 stars; one submission).

Conditions:
Fabry disease. Also called: ALPHA-GALACTOSIDASE A DEFICIENCY; ANDERSON-FABRY DISEASE; CERAMIDE TRIHEXOSIDASE DEFICIENCY; GLA DEFICIENCY; HEREDITARY DYSTOPIC LIPIDOSIS; Angiokeratoma corporis diffusum. Identifiers: Orphanet 324, MedGen C0002986, MONDO:0010526, OMIM 301500, HP:0001071. Disease mechanism: Fabry disease is due to inactivating mutations in the X-linked GLA gene resulting in deficiency of the enzyme Alpha Galactosidase-A., loss of function.

Submission:

Genomenon, Inc
Classification: Pathogenic for Fabry disease. Last evaluated: 2026-09-08. Review status: criteria provided, single submitter. Criteria: Genomenon Sequence Variant Interpretation Standards - Updated. Collection method: curation. Allele origin: germline. Affected: yes.
Comment: GLA p.Gly43AlafsTer11 (c.128_132del) is a frameshift variant that is predicted to introduce a premature termination codon and result in a truncated or absent protein product. This variant has been observed in at least one proband with clinical features consistent with Fabry disease (PMID:38002959). The variant was found to segregate with disease in at least one affected family (PMID:38002959). It is absent or not present at a significant frequency in gnomAD. In conclusion, we classify GLA p.Gly43AlafsTer11 (c.128_132del) as a pathogenic variant.

Literature cited by the submitters: PubMed 38002959.

NM_000169.3(GLA):c.128_132del (p.Gly43fs)

Genes: GLA (galactosidase alpha; minus strand), RPL36A-HNRNPH2 (RPL36A-HNRNPH2 readthrough; plus strand). Cytogenetic location: Xq22.1.
Variant type: Deletion.
Coding change: c.128_132del on transcript NM_000169.3 (MANE Select); coding-DNA positions 128 to 132, 5 bases deleted (GCTGG; older notation c.128_132delGCTGG).
Protein change: p.Gly43fs; shifts the reading frame from glycine 43.
Molecular consequence: frameshift variant. On other transcripts: non-coding transcript variant (3), intron variant (2).
Genome position (GRCh38, 1-based): chrX:101,407,772-101,407,776, CCAGC deleted on the plus strand (GCTGG on the coding strand, the reverse complement: GLA is on the minus strand); deleting any 5 consecutive bases within chrX:101,407,772-101,407,779 gives the same sequence; the c. name uses the placement nearest the transcript's 3' end. VCF-style (leftmost placement, unchanged base first): chrX-101407771-GCCAGC-G. GRCh37 (hg19) VCF-style: chrX-100662759-GCCAGC-G.
Other names: c.128_132del, p.Gly43fs (NM_001406747.1, NM_001406748.1, NM_001406749.1); c.301-4161_301-4157del (NM_001199973.2); c.178-4161_178-4157del (NM_001199974.2); short protein forms G43fs.
Identifiers: ClinVar variation 4087260 (VCV004087260.2).